The following is an entry in ClinVar:

ClinVar aggregate classification (germline): Uncertain significance. Review status: criteria provided, multiple submitters, no conflicts (2 of 4 stars). 4 submissions from 4 submitters: Uncertain significance (4). Last evaluated 2026-03-28.

Conditions:
Cardiovascular phenotype. Identifiers: MedGen CN230736.
TNXB-related disorder. Also called: TNXB-related condition.
Vesicoureteral reflux 8 (VUR8). Identifiers: Orphanet 289365, MedGen C4014831, MONDO:0014422, OMIM 615963.
Ehlers-Danlos syndrome due to tenascin-X deficiency (EDSCLL1). Also called: EHLERS-DANLOS SYNDROME, CLASSIC-LIKE; Ehlers-Danlos syndrome, classic-like, 1; TNXB-Related Classical-Like Ehlers-Danlos Syndrome; EDS DUE TO TNX DEFICIENCY; TNX DEFICIENCY. Identifiers: Orphanet 230839, MedGen C1848029, MONDO:0011670, OMIM 606408.

Submissions (4):

PreventionGenetics, part of Exact Sciences
Classification: Uncertain significance for TNXB-related condition. Last evaluated: 2026-03-28. Review status: criteria provided, single submitter. Criteria: ACMG Guidelines, 2015. Collection method: clinical testing. Allele origin: germline.
Comment: The TNXB c.1411_1413delCGT variant is predicted to result in an in-frame deletion (p.Arg471del). To our knowledge, this variant has not been reported in the literature. This variant is reported in 0.0010% of alleles in individuals of European (Non-Finnish) descent in gnomAD. At this time, the clinical significance of this variant is uncertain due to the absence of conclusive functional and genetic evidence.

GeneDx
Classification: Uncertain significance. Last evaluated: 2023-07-25. Review status: criteria provided, single submitter. Criteria: GeneDx Variant Classification Process June 2021. Collection method: clinical testing. Allele origin: germline. Affected: yes.
Comment: Not observed at significant frequency in large population cohorts (gnomAD); In-frame deletion of 1 amino acids in a non-repeat region; In silico analysis supports that this variant does not alter protein structure/function; Has not been previously published as pathogenic or benign to our knowledge

Department of Pathology and Laboratory Medicine, Sinai Health System
Classification: Uncertain significance for Ehlers-Danlos syndrome due to tenascin-X deficiency; Vesicoureteral reflux 8. Last evaluated: 2023-01-23. Review status: criteria provided, single submitter. Criteria: ACMG Guidelines, 2015. Collection method: research. Allele origin: germline.

Ambry Genetics
Classification: Uncertain significance for Cardiovascular phenotype. Last evaluated: 2019-09-23. Review status: criteria provided, single submitter. Criteria: Ambry Variant Classification Scheme 2023. Collection method: clinical testing. Allele origin: germline.
Comment: The c.1411_1413delCGT variant (also known as p.R471del), located in coding exon 2 of the TNXB gene, results from an in-frame CGT deletion at nucleotide positions 1411 to 1413. This results in the in-frame deletion of an arginine residue at codon 471. This amino acid position is not well conserved in available vertebrate species. In addition, this alteration is predicted to be deleterious by in silico analysis (Choi Y et al. PLoS ONE. 2012; 7(10):e46688). Since supporting evidence is limited at this time, the clinical significance of this alteration remains unclear.

NM_001365276.2(TNXB):c.1411_1413del (p.Arg471del)

Gene: TNXB (tenascin XB; minus strand). Cytogenetic location: 6p21.33.
Variant type: Deletion.
Coding change: c.1411_1413del on transcript NM_001365276.2 (MANE Select); coding-DNA positions 1411 to 1413, 3 bases deleted (CGT; older notation c.1411_1413delCGT).
Protein change: p.Arg471del; deletes arginine 471.
Molecular consequence: inframe deletion.
Genome position (GRCh38, 1-based): chr6:32,096,440-32,096,442, ACG deleted on the plus strand (CGT on the coding strand, the reverse complement: TNXB is on the minus strand); deleting any 3 consecutive bases within chr6:32,096,440-32,096,444 gives the same sequence; the c. name uses the placement nearest the transcript's 3' end. VCF-style (leftmost placement, unchanged base first): chr6-32096439-CACG-C. GRCh37 (hg19) VCF-style: chr6-32064216-CACG-C.
Other names: c.1411_1413delCGT (NM_019105.6); c.1411_1413del (NM_019105.6); c.1411_1413del, p.Arg471del (NM_019105.8); short protein forms R471del.
Identifiers: ClinVar variation 1772032 (VCV001772032.6), dbSNP rs755959617, ClinGen allele CA3735681.